The following is an entry in ClinVar:

NM_018163.3(DNAJC17):c.382-12C>G

Gene: DNAJC17 (DnaJ heat shock protein family (Hsp40) member C17; minus strand). Cytogenetic location: 15q15.1.
Variant type: single nucleotide variant.
Coding change: c.382-12C>G on transcript NM_018163.3 (MANE Select); 12 bases into the intron before coding-DNA position 382, C replaced by G.
Molecular consequence: intron variant.
Genome position (GRCh38, 1-based): chr15:40,776,304, G>C on the plus strand (C>G on the coding strand, the complement: DNAJC17 is on the minus strand). VCF-style: chr15-40776304-G-C. GRCh37 (hg19) VCF-style: chr15-41068502-G-C.
Identifiers: ClinVar variation 4765844 (VCV004765844.1).

ClinVar aggregate classification (germline): Uncertain significance (1 of 4 stars; one submission).

gnomAD v4.1: 4 of 1,612,534 alleles (0.00025%); highest among the groups gnomAD compares: African/African-American, 0.004%; no homozygotes.

Submission:

Labcorp Genetics (formerly Invitae), Labcorp
Classification: Uncertain significance. Last evaluated: 2025-06-04. Review status: criteria provided, single submitter. Criteria: Invitae Variant Classification Sherloc (09022015). Collection method: clinical testing. Allele origin: germline.
Comment: This sequence change falls in intron 5 of the DNAJC17 gene. It does not directly change the encoded amino acid sequence of the DNAJC17 protein. This variant is not present in population databases (gnomAD no frequency). This variant has not been reported in the literature in individuals affected with DNAJC17-related conditions. Algorithms developed to predict the effect of sequence changes on RNA splicing suggest that this variant may disrupt the consensus splice site. In summary, the available evidence is currently insufficient to determine the role of this variant in disease. Therefore, it has been classified as a Variant of Uncertain Significance.